The following is an entry in ClinVar:

NM_000059.4(BRCA2):c.4259A>T (p.Asp1420Val)

Gene: BRCA2 (BRCA2 DNA repair associated; plus strand). Cytogenetic location: 13q13.1.
Variant type: single nucleotide variant.
Coding change: c.4259A>T on transcript NM_000059.4 (MANE Select); coding-DNA position 4259, A replaced by T.
Protein change: p.Asp1420Val; replaces aspartic acid 1420 with valine.
Molecular consequence: missense variant.
Genome position (GRCh38, 1-based): chr13:32,338,614, A>T. VCF-style: chr13-32338614-A-T. GRCh37 (hg19) VCF-style: chr13-32912751-A-T.
Other names: short protein forms D1420V.
Identifiers: ClinVar variation 924176 (VCV000924176.19), dbSNP rs2072500081, ClinGen allele CA387780477.

ClinVar aggregate classification (germline): Conflicting classifications of pathogenicity. Review status: criteria provided, conflicting classifications (1 of 4 stars). 7 submissions from 7 submitters: Uncertain significance (5); Likely benign (2). Last evaluated 2026-06-20.

Conditions:
Breast-ovarian cancer, familial, susceptibility to, 2 (BROVCA2). Also called: BRCA2 Hereditary Breast and Ovarian Cancer. Identifiers: Orphanet 145, MedGen C2675520, MONDO:0012933, OMIM 612555. Disease mechanism: loss of function.
Hereditary breast ovarian cancer syndrome. Also called: Hereditary breast and ovarian cancer syndrome; Hereditary breast and/or ovarian cancer syndrome; Breast and ovarian cancer; BRCA1- and BRCA2-Associated Hereditary Breast and Ovarian Cancer; Hereditary breast and ovarian cancer; Hereditary breast and ovarian cancer syndrome (HBOC). Identifiers: Orphanet 145, MedGen C0677776, MeSH D061325, MONDO:0003582. Disease mechanism: loss of function.
Hereditary cancer-predisposing syndrome. Also called: Neoplastic Syndromes, Hereditary; Hereditary Cancer Syndrome; Tumor predisposition; Hereditary neoplastic syndrome. Identifiers: Orphanet 140162, MedGen C0027672, MeSH D009386, MONDO:0015356.

Submissions (7):

Ambry Genetics
Classification: Uncertain significance for Hereditary cancer-predisposing syndrome. Last evaluated: 2026-06-20. Review status: criteria provided, single submitter. Criteria: Ambry Variant Classification Scheme 2023. Collection method: clinical testing. Allele origin: germline.
Comment: The p.D1420V variant (also known as c.4259A>T), located in coding exon 10 of the BRCA2 gene, results from an A to T substitution at nucleotide position 4259. The aspartic acid at codon 1420 is replaced by valine, an amino acid with highly dissimilar properties. This amino acid position is conserved. In addition, this alteration is predicted to be tolerated by in silico analysis. Based on the available evidence, the clinical significance of this variant remains unclear.

Labcorp Genetics (formerly Invitae), Labcorp
Classification: Uncertain significance for Hereditary breast ovarian cancer syndrome. Last evaluated: 2025-01-16. Review status: criteria provided, single submitter. Criteria: Invitae Variant Classification Sherloc (09022015). Collection method: clinical testing. Allele origin: germline.
Comment: This sequence change replaces aspartic acid, which is acidic and polar, with valine, which is neutral and non-polar, at codon 1420 of the BRCA2 protein (p.Asp1420Val). This variant is not present in population databases (gnomAD no frequency). This variant has not been reported in the literature in individuals affected with BRCA2-related conditions. ClinVar contains an entry for this variant (Variation ID: 924176). Invitae Evidence Modeling of protein sequence and biophysical properties (such as structural, functional, and spatial information, amino acid conservation, physicochemical variation, residue mobility, and thermodynamic stability) indicates that this missense variant is not expected to disrupt BRCA2 protein function with a negative predictive value of 95%. In summary, the available evidence is currently insufficient to determine the role of this variant in disease. Therefore, it has been classified as a Variant of Uncertain Significance.

Blueprint Genetics
Classification: Likely benign. Last evaluated: 2024-10-10. Review status: criteria provided, single submitter. Criteria: ACMG Guidelines, 2015. Collection method: clinical testing. Allele origin: germline.

Color Diagnostics, LLC DBA Color Health
Classification: Uncertain significance for Hereditary cancer-predisposing syndrome. Last evaluated: 2023-12-05. Review status: criteria provided, single submitter. Criteria: ACMG Guidelines, 2015. Collection method: clinical testing. Allele origin: germline.
Comment: This missense variant replaces aspartic acid with valine at codon 1420 of the BRCA2 protein. Computational prediction suggests that this variant may not impact protein structure and function (internally defined REVEL score threshold <= 0.5, PMID: 27666373). To our knowledge, functional studies have not been reported for this variant. This variant has not been reported in individuals affected with BRCA2-related disorders in the literature. This variant has not been identified in the general population by the Genome Aggregation Database (gnomAD). The available evidence is insufficient to determine the role of this variant in disease conclusively. Therefore, this variant is classified as a Variant of Uncertain Significance.

University of Washington Department of Laboratory Medicine, University of Washington
Classification: Likely benign for Hereditary cancer-predisposing syndrome. Last evaluated: 2023-03-23. Review status: criteria provided, single submitter. Criteria: Dines et al. (Genet Med. 2020). Collection method: curation. Allele origin: germline.
Comment: Missense variant in a coldspot region where missense variants are very unlikely to be pathogenic (PMID:31911673).

BRCA2 exon 11 coldspot. Reclassification based on statistical prior probability.

Quest Diagnostics Nichols Institute San Juan Capistrano
Classification: Uncertain significance. Last evaluated: 2023-01-31. Review status: criteria provided, single submitter. Criteria: Quest Diagnostics criteria. Collection method: clinical testing. Allele origin: unknown.
Comment: The variant has not been reported in the published literature. It also has not been reported in large, multi-ethnic general populations. Analysis of this variant using bioinformatics tools for the prediction of the effect of amino acid changes on protein structure and function yielded predictions that this variant is benign. Based on the available information, we are unable to determine the clinical significance of this variant.

Baylor Genetics
Classification: Uncertain significance for Breast-ovarian cancer, familial, susceptibility to, 2. Last evaluated: 2020-04-10. Review status: criteria provided, single submitter. Criteria: ACMG Guidelines, 2015. Collection method: clinical testing. Allele origin: paternal. Affected: yes. Study: CSER-TexasKidsCanSeq.
Comment: This variant was determined to be of uncertain significance according to ACMG Guidelines, 2015 [PMID:25741868].